The following is an entry in ClinVar:

ClinVar aggregate classification (germline): Pathogenic/Likely pathogenic. Review status: criteria provided, multiple submitters, no conflicts (2 of 4 stars). 2 submissions from 2 submitters: Pathogenic (1); Likely pathogenic (1). Last evaluated 2023-03-22.

Conditions:
Retinitis pigmentosa 59 (RP59). Identifiers: Orphanet 791, MedGen C3151227, MONDO:0013468, OMIM 613861.

Submissions (2):

Baylor Genetics
Classification: Likely pathogenic for Retinitis pigmentosa 59. Last evaluated: 2023-03-22. Review status: criteria provided, single submitter. Criteria: ACMG Guidelines, 2015. Collection method: clinical testing. Allele origin: unknown.

Labcorp Genetics (formerly Invitae), Labcorp
Classification: Pathogenic for Retinitis pigmentosa 59. Last evaluated: 2022-05-28. Review status: criteria provided, single submitter. Criteria: Invitae Variant Classification Sherloc (09022015). Collection method: clinical testing. Allele origin: germline.
Comment: This sequence change creates a premature translational stop signal (p.Trp171*) in the DHDDS gene. It is expected to result in an absent or disrupted protein product. Loss-of-function variants in DHDDS are known to be pathogenic (PMID: 24664742). This variant is not present in population databases (gnomAD no frequency). This variant has not been reported in the literature in individuals affected with DHDDS-related conditions. For these reasons, this variant has been classified as Pathogenic.

Literature cited by the submitters: PubMed 24664742 (cited by Labcorp Genetics (formerly Invitae), Labcorp).

NM_205861.3(DHDDS):c.513G>A (p.Trp171Ter)

Gene: DHDDS (dehydrodolichyl diphosphate synthase subunit; plus strand). Cytogenetic location: 1p36.11.
Variant type: single nucleotide variant.
Coding change: c.513G>A on transcript NM_205861.3 (MANE Select); coding-DNA position 513, G replaced by A.
Protein change: p.Trp171Ter; replaces tryptophan 171 with a stop codon.
Molecular consequence: nonsense. On other transcripts: intron variant (1).
Genome position (GRCh38, 1-based): chr1:26,447,631, G>A. VCF-style: chr1-26447631-G-A. GRCh37 (hg19) VCF-style: chr1-26774122-G-A.
Other names: c.396G>A, p.Trp132Ter (NM_001243565.2); c.234G>A, p.Trp78Ter (NM_001319959.2); c.513G>A, p.Trp171Ter (NM_024887.4); c.440+1199G>A (NM_001243564.2); c.513G>A (NM_024887.3); short protein forms W78*, W132*, W171*.
Identifiers: ClinVar variation 2000109 (VCV002000109.5), dbSNP rs2075282065, ClinGen allele CA339143386.